The following is an entry in ClinVar:

NM_004958.3(MTOR):c.6812_6847del

Gene: MTOR (mechanistic target of rapamycin kinase; minus strand). Cytogenetic location: 1p36.22.
Variant type: Deletion.
Coding change: c.6812_6847del on transcript NM_004958.3; coding-DNA positions 6812 to 6847, 36 bases deleted.
Genome position (GRCh38, 1-based): chr1:11,121,332-11,121,367, 36 bases deleted; deleting any 36 consecutive bases within chr1:11,121,332-11,121,377 gives the same sequence; the c. name uses the placement nearest the transcript's 3' end. GRCh37 (hg19): chr1:11,181,399-11,181,434.
Identifiers: ClinVar variation 4072695 (VCV004072695.1).

ClinVar aggregate classification (germline): Uncertain significance (1 of 4 stars; one submission).

Submission:

GeneDx
Classification: Uncertain significance. Last evaluated: 2025-01-29. Review status: criteria provided, single submitter. Criteria: GeneDx Variant Classification Process June 2021. Collection method: clinical testing. Allele origin: germline. Affected: yes.
Comment: Not observed at significant frequency in large population cohorts (gnomAD); In-frame deletion of 12 amino acids in a non-repeat region; In silico analysis supports a deleterious effect on protein structure/function; In silico analysis supports a deleterious effect on splicing; Has not been previously published as pathogenic or benign to our knowledge